The following is an entry in ClinVar:

NM_170707.4(LMNA):c.1748C>G (p.Ser583Trp)

Gene: LMNA (lamin A/C; plus strand). Cytogenetic location: 1q22.
Variant type: single nucleotide variant.
Coding change: c.1748C>G on transcript NM_170707.4 (MANE Select); coding-DNA position 1748, C replaced by G.
Protein change: p.Ser583Trp; replaces serine 583 with tryptophan.
Molecular consequence: missense variant.
Genome position (GRCh38, 1-based): chr1:156,138,537, C>G. VCF-style: chr1-156138537-C-G. GRCh37 (hg19) VCF-style: chr1-156108328-C-G.
Other names: c.1412C>G, p.Ser471Trp (NM_001257374.3); c.1748C>G, p.Ser583Trp (NM_001282626.2); c.1658C>G, p.Ser553Trp (NM_170708.4); short protein forms S553W, S583W, S471W.
Identifiers: ClinVar variation 178933 (VCV000178933.11), dbSNP rs59601651, ClinGen allele CA020314.

ClinVar aggregate classification (germline): Uncertain significance. Review status: criteria provided, multiple submitters, no conflicts (2 of 4 stars). 2 submissions from 2 submitters: Uncertain significance (2). Last evaluated 2022-03-03.

Conditions:
Charcot-Marie-Tooth disease type 2. Also called: Charcot-Marie-Tooth type 2. Identifiers: Orphanet 64746, MedGen C0270914, MONDO:0018993.

Submissions (2):

Labcorp Genetics (formerly Invitae), Labcorp
Classification: Uncertain significance for Charcot-Marie-Tooth disease type 2. Last evaluated: 2022-03-03. Review status: criteria provided, single submitter. Criteria: Invitae Variant Classification Sherloc (09022015). Collection method: clinical testing. Allele origin: germline.
Comment: In summary, the available evidence is currently insufficient to determine the role of this variant in disease. Therefore, it has been classified as a Variant of Uncertain Significance. Algorithms developed to predict the effect of missense changes on protein structure and function are either unavailable or do not agree on the potential impact of this missense change (SIFT: "Deleterious"; PolyPhen-2: "Probably Damaging"; Align-GVGD: "Class C15"). ClinVar contains an entry for this variant (Variation ID: 178933). This variant has not been reported in the literature in individuals affected with LMNA-related conditions. This variant is not present in population databases (gnomAD no frequency). This sequence change replaces serine, which is neutral and polar, with tryptophan, which is neutral and slightly polar, at codon 583 of the LMNA protein (p.Ser583Trp).

Laboratory for Molecular Medicine, Mass General Brigham Personalized Medicine
Classification: Uncertain significance. Last evaluated: 2014-01-28. Review status: criteria provided, single submitter. Criteria: LMM Criteria. Collection method: clinical testing. Allele origin: germline. Observed: 1 variant allele.
Comment: The Ser583Trp variant in LMNA has not been reported in individuals with cardiomy opathy. Data from large population studies is insufficient to assess its freque ncy in the general population. Computational analyses (biochemical amino acid pr operties, conservation, PolyPhen2, and SIFT) suggest that this variant may impac t the protein, though this information is not predictive enough to determine pat hogenicity. Another variant at the same position (Ser583Leu) has been reported i n 3 individuals with familial partial lipodystrophy and segregated in 5 affected relatives (Savage 2004), which supports that a change at this position is not t olerated. In summary, the available data is so far consistent with a pathogenic role but additional studies are needed to fully assess the clinical significanc e of this variant.

Literature cited by the submitters: PubMed 15298354 (cited by Laboratory for Molecular Medicine, Mass General Brigham Personalized Medicine).